The following is an entry in ClinVar:

NM_001291303.3(FAT4):c.12214-3T>C

Gene: FAT4 (FAT atypical cadherin 4; plus strand). Cytogenetic location: 4q28.1.
Variant type: single nucleotide variant.
Coding change: c.12214-3T>C on transcript NM_001291303.3 (MANE Select); 3 bases into the intron before coding-DNA position 12214, T replaced by C.
Molecular consequence: intron variant.
Genome position (GRCh38, 1-based): chr4:125,476,168, T>C. VCF-style: chr4-125476168-T-C. GRCh37 (hg19) VCF-style: chr4-126397323-T-C.
Other names: c.12214-3T>C (NM_001291285.3); c.12208-3T>C (NM_024582.6).
Identifiers: ClinVar variation 1968411 (VCV001968411.5), dbSNP rs2531000712, ClinGen allele CA645528129.

ClinVar aggregate classification (germline): Uncertain significance (1 of 4 stars; one submission).

Allele frequency attached by ClinVar (database versions not stated): gnomAD exomes below 0.00001.
gnomAD v4.1: 2 of 1,581,980 alleles (0.00013%); highest among the groups gnomAD compares: African/African-American, 0.0013%; no homozygotes.

Submission:

Labcorp Genetics (formerly Invitae), Labcorp
Classification: Uncertain significance. Last evaluated: 2021-12-12. Review status: criteria provided, single submitter. Criteria: Invitae Variant Classification Sherloc (09022015). Collection method: clinical testing. Allele origin: germline.
Comment: This sequence change falls in intron 11 of the FAT4 gene. It does not directly change the encoded amino acid sequence of the FAT4 protein. It affects a nucleotide within the consensus splice site. This variant is not present in population databases (gnomAD no frequency). This variant has not been reported in the literature in individuals affected with FAT4-related conditions. Variants that disrupt the consensus splice site are a relatively common cause of aberrant splicing (PMID: 17576681, 9536098). Algorithms developed to predict the effect of sequence changes on RNA splicing suggest that this variant is not likely to affect RNA splicing. In summary, the available evidence is currently insufficient to determine the role of this variant in disease. Therefore, it has been classified as a Variant of Uncertain Significance.

Literature cited by the submitters: PubMed 17576681; PubMed 9536098.